The following is an entry in ClinVar:

NM_033109.5(PNPT1):c.2149-18T>A

Gene: PNPT1 (polyribonucleotide nucleotidyltransferase 1; minus strand). Cytogenetic location: 2p16.1.
Variant type: single nucleotide variant.
Coding change: c.2149-18T>A on transcript NM_033109.5 (MANE Select); 18 bases into the intron before coding-DNA position 2149, T replaced by A.
Molecular consequence: intron variant.
Genome position (GRCh38, 1-based): chr2:55,637,617, A>T on the plus strand (T>A on the coding strand, the complement: PNPT1 is on the minus strand). VCF-style: chr2-55637617-A-T. GRCh37 (hg19) VCF-style: chr2-55864752-A-T.
Identifiers: ClinVar variation 384772 (VCV000384772.10), dbSNP rs142979302, ClinGen allele CA1667773.

ClinVar aggregate classification (germline): Likely benign. Review status: criteria provided, multiple submitters, no conflicts (2 of 4 stars). 3 submissions from 3 submitters: Likely benign (3). Last evaluated 2026-01-26.

Allele frequency attached by ClinVar (database versions not stated): gnomAD exomes 0.00012; ExAC 0.00013; 1000 Genomes Project 30x 0.00031; 1000 Genomes Project 0.00040; gnomAD 0.00041 and 0.00042; TOPMed 0.00054; ESP Exome Variant Server 0.00062.
gnomAD v4.1: 125 of 1,579,104 alleles (0.0079%); highest among the groups gnomAD compares: African/African-American, 0.14%; no homozygotes.

Submissions (3):

Labcorp Genetics (formerly Invitae), Labcorp
Classification: Likely benign. Last evaluated: 2026-01-26. Review status: criteria provided, single submitter. Criteria: Invitae Variant Classification Sherloc (09022015). Collection method: clinical testing. Allele origin: germline.

Blueprint Genetics
Classification: Likely benign. Last evaluated: 2021-04-09. Review status: criteria provided, single submitter. Criteria: ACMG Guidelines, 2015. Collection method: clinical testing. Allele origin: germline.

GeneDx
Classification: Likely benign. Last evaluated: 2016-06-19. Review status: criteria provided, single submitter. Criteria: GeneDx Variant Classification (06012015). Collection method: clinical testing. Allele origin: germline. Affected: yes.
Comment: This variant is considered likely benign or benign based on one or more of the following criteria: it is a conservative change, it occurs at a poorly conserved position in the protein, it is predicted to be benign by multiple in silico algorithms, and/or has population frequency not consistent with disease.